The following is an entry in ClinVar:

NM_198129.4(LAMA3):c.7571A>G (p.Asn2524Ser)

Gene: LAMA3 (laminin subunit alpha 3; plus strand). Cytogenetic location: 18q11.2.
Variant type: single nucleotide variant.
Coding change: c.7571A>G on transcript NM_198129.4 (MANE Select); coding-DNA position 7571, A replaced by G.
Protein change: p.Asn2524Ser; replaces asparagine 2524 with serine.
Molecular consequence: missense variant.
Genome position (GRCh38, 1-based): chr18:23,914,787, A>G. VCF-style: chr18-23914787-A-G. GRCh37 (hg19) VCF-style: chr18-21494751-A-G.
Other names: c.2744A>G, p.Asn915Ser (NM_000227.6); c.7403A>G, p.Asn2468Ser (NM_001127717.4); c.2576A>G, p.Asn859Ser (NM_001127718.4); c.2744A>G (NM_000227.3); short protein forms N2468S, N2524S, N859S, N915S.
Identifiers: ClinVar variation 1049358 (VCV001049358.2), dbSNP rs2145244591, ClinGen allele CA402057369.

ClinVar aggregate classification (germline): Likely benign. Review status: criteria provided, single submitter (1 of 4 stars). 2 submissions from 2 submitters: Likely benign (1). 1 of the submissions does not count toward it. Last evaluated 2023-12-26.

Conditions:
Inborn genetic diseases. Identifiers: MedGen C0950123, MeSH D030342.

Allele frequency attached by ClinVar (database versions not stated): gnomAD exomes below 0.00001.

Submissions (2):

Ambry Genetics
Classification: Likely benign for Inborn genetic diseases. Last evaluated: 2023-12-26. Review status: criteria provided, single submitter. Criteria: Ambry Variant Classification Scheme 2023. Collection method: clinical testing. Allele origin: germline.

Department of Pathology and Laboratory Medicine, Sinai Health System
Classification: Uncertain significance. Review status: no assertion criteria provided. Collection method: clinical testing. Allele origin: unknown. Affected: yes. Study: The Canadian Open Genetics Repository (COGR). Not counted in ClinVar's aggregate classification.
Comment: The LAMA3 p.Asn915Ser variant was not identified in the literature nor was it identified in dbSNP, ClinVar, Cosmic, LOVD 3.0 or in the following control databases: the 1000 Genomes Project, the NHLBI GO Exome Sequencing Project, the Exome Aggregation Consortium (August 8th 2016), or the Genome Aggregation Database (Feb 27, 2017). The variant occurs outside of the splicing consensus sequence and in silico or computational prediction software programs (SpliceSiteFinder, MaxEntScan, NNSPLICE, GeneSplicer) do not predict a difference in splicing. The p.Asn915 residue is not conserved in mammals and computational analyses (PolyPhen-2, SIFT, AlignGVGD, BLOSUM, MutationTaster) do not suggest a high likelihood of impact to the protein; however, this information is not predictive enough to rule out pathogenicity. In summary, based on the above information the clinical significance of this variant cannot be determined with certainty at this time. This variant is classified as a variant of uncertain significance.